The following is an entry in ClinVar:

ClinVar aggregate classification (germline): Uncertain significance (1 of 4 stars; one submission).

Conditions:
Intellectual developmental disorder 61. Also called: MENTAL RETARDATION, AUTOSOMAL DOMINANT 61; INTELLECTUAL DEVELOPMENTAL DISORDER, AUTOSOMAL DOMINANT 61. Identifiers: MedGen C5231400, MONDO:0032485, OMIM 618009.

Submission:

Institute of Human Genetics, University of Leipzig Medical Center
Classification: Uncertain significance for Intellectual developmental disorder 61. Last evaluated: 2025-09-30. Review status: criteria provided, single submitter. Criteria: ACMG Guidelines, 2015. Collection method: clinical testing. Allele origin: unknown. Inheritance: Autosomal dominant inheritance. Affected: yes.
Comment: Criteria applied: PVS1_MOD,PM2

NM_005121.3(MED13):c.6221_6222dup (p.Gly2075fs)

Gene: MED13 (mediator complex subunit 13; minus strand). Cytogenetic location: 17q23.2.
Variant type: Duplication.
Coding change: c.6221_6222dup on transcript NM_005121.3 (MANE Select); coding-DNA positions 6221 to 6222, 2 bases duplicated (CA; older notation c.6221_6222dupCA).
Protein change: p.Gly2075fs; shifts the reading frame from glycine 2075.
Molecular consequence: frameshift variant.
Genome position (GRCh38, 1-based): chr17:61,950,894-61,950,895, TG duplicated on the plus strand (CA on the coding strand, the reverse complement: MED13 is on the minus strand). VCF-style (leftmost placement, unchanged base first): chr17-61950893-C-CTG. GRCh37 (hg19) VCF-style: chr17-60028254-C-CTG.
Other names: short protein forms G2075fs.
Identifiers: ClinVar variation 4530569 (VCV004530569.1).